The following is an entry in ClinVar:

ClinVar aggregate classification (germline): Uncertain significance (1 of 4 stars; one submission).

Conditions:
Focal segmental glomerulosclerosis 5 (FSGS5). Identifiers: Orphanet 656, MedGen C2750475, MONDO:0013191, OMIM 613237.
Charcot-Marie-Tooth disease dominant intermediate E. Also called: CHARCOT-MARIE-TOOTH NEUROPATHY WITH FOCAL SEGMENTAL GLOMERULONEPHRITIS. Identifiers: Orphanet 93114, MedGen C4302667, MONDO:0013758, OMIM 614455.

gnomAD v4.1: 1 of 1,613,056 alleles (0.000062%); highest among the groups gnomAD compares: Non-Finnish European, 0.000085%; no homozygotes.

Submission:

Labcorp Genetics (formerly Invitae), Labcorp
Classification: Uncertain significance for Charcot-Marie-Tooth disease dominant intermediate E; Focal segmental glomerulosclerosis 5. Last evaluated: 2025-11-28. Review status: criteria provided, single submitter. Criteria: Invitae Variant Classification Sherloc (09022015). Collection method: clinical testing. Allele origin: germline.
Comment: This sequence change replaces isoleucine, which is neutral and non-polar, with threonine, which is neutral and polar, at codon 180 of the INF2 protein (p.Ile180Thr). This variant is not present in population databases (gnomAD no frequency). This variant has not been reported in the literature in individuals affected with INF2-related conditions. Invitae Evidence Modeling of protein sequence and biophysical properties (such as structural, functional, and spatial information, amino acid conservation, physicochemical variation, residue mobility, and thermodynamic stability) indicates that this missense variant is not expected to disrupt INF2 protein function with a negative predictive value of 95%. In summary, the available evidence is currently insufficient to determine the role of this variant in disease. Therefore, it has been classified as a Variant of Uncertain Significance.

NM_022489.4(INF2):c.539T>C (p.Ile180Thr)

Gene: INF2 (inverted formin 2; plus strand). Cytogenetic location: 14q32.33.
Variant type: single nucleotide variant.
Coding change: c.539T>C on transcript NM_022489.4 (MANE Select); coding-DNA position 539, T replaced by C.
Protein change: p.Ile180Thr; replaces isoleucine 180 with threonine.
Molecular consequence: missense variant. On other transcripts: non-coding transcript variant (1).
Genome position (GRCh38, 1-based): chr14:104,703,326, T>C. VCF-style: chr14-104703326-T-C. GRCh37 (hg19) VCF-style: chr14-105169663-T-C.
Other names: c.539T>C, p.Ile180Thr (NM_001031714.4, NM_001426862.1, NM_001426863.1 and 6 more transcripts); short protein forms I180T.
Identifiers: ClinVar variation 4791272 (VCV004791272.1).